The following is an entry in ClinVar:

NM_000397.4(CYBB):c.1586+1G>C

Gene: CYBB (cytochrome b-245 beta chain; plus strand). Cytogenetic location: Xp11.4.
Variant type: single nucleotide variant.
Coding change: c.1586+1G>C on transcript NM_000397.4 (MANE Select); the canonical splice donor site of the intron after coding-DNA position 1586, G replaced by C.
Molecular consequence: splice donor variant.
Genome position (GRCh38, 1-based): chrX:37,809,692, G>C. VCF-style: chrX-37809692-G-C. GRCh37 (hg19) VCF-style: chrX-37668945-G-C.
Identifiers: ClinVar variation 4710719 (VCV004710719.1).

ClinVar aggregate classification (germline): Pathogenic (1 of 4 stars; one submission).

Conditions:
Granulomatous disease, chronic, X-linked. Also called: GRANULOMATOUS DISEASE, CHRONIC, X-LINKED, SOMATIC MOSAIC; CYTOCHROME b-NEGATIVE GRANULOMATOUS DISEASE, CHRONIC, X-LINKED. Identifiers: Orphanet 379, MedGen C1844376, MONDO:0010600, OMIM 306400.

Submission:

Labcorp Genetics (formerly Invitae), Labcorp
Classification: Pathogenic for Granulomatous disease, chronic, X-linked. Last evaluated: 2025-12-14. Review status: criteria provided, single submitter. Criteria: Invitae Variant Classification Sherloc (09022015). Collection method: clinical testing. Allele origin: germline.
Comment: This sequence change affects a donor splice site in intron 12 of the CYBB gene. While this variant is not anticipated to result in nonsense mediated decay, it likely alters RNA splicing and results in a disrupted protein product. This variant is not present in population databases (gnomAD no frequency). Disruption of this splice site has been observed in individual(s) with chronic granulomatous disease (PMID: 27966181, 29560547). Variants that disrupt the consensus splice site are a relatively common cause of aberrant splicing (PMID: 17576681, 9536098). Algorithms developed to predict the effect of sequence changes on RNA splicing suggest that this variant may disrupt the consensus splice site. This variant disrupts a region of the CYBB protein in which other variant(s) (p.Glu544*) have been determined to be pathogenic (internal data). This suggests that this is a clinically significant region of the protein, and that variants that disrupt it are likely to be disease-causing. For these reasons, this variant has been classified as Pathogenic.

Literature cited by the submitters: PubMed 27966181; PubMed 29560547; PubMed 17576681; PubMed 9536098.